The following is an entry in ClinVar:

ClinVar aggregate classification (germline): Uncertain significance. Review status: criteria provided, multiple submitters, no conflicts (2 of 4 stars). 2 submissions from 2 submitters: Uncertain significance (2). Last evaluated 2024-05-24.

Conditions:
Insulin-dependent diabetes mellitus secretory diarrhea syndrome (IPEX). Also called: DIABETES MELLITUS, CONGENITAL INSULIN-DEPENDENT, WITH FATAL SECRETORY DIARRHEA; DIARRHEA, POLYENDOCRINOPATHY, FATAL INFECTION SYNDROME, X-LINKED; ENTEROPATHY, AUTOIMMUNE, WITH HEMOLYTIC ANEMIA AND POLYENDOCRINOPATHY; IPEX and IPEX-Like; Immunodeficiency, Polyendocrinopathy, and Enteropathy X-Linked Syndrome; X-Linked Syndrome of Polyendocrinopathy, Immune Dysfunction, and Diarrhea. Identifiers: Orphanet 37042, MedGen C0342288, MONDO:0010580, OMIM 304790. Disease mechanism: loss of function.

Allele frequency attached by ClinVar (database versions not stated): gnomAD 0.00001; TOPMed 0.00001; gnomAD exomes 0.00002; ExAC 0.00007.

Submissions (2):

Fulgent Genetics
Classification: Uncertain significance for Insulin-dependent diabetes mellitus secretory diarrhea syndrome. Last evaluated: 2024-05-24. Review status: criteria provided, single submitter. Criteria: ACMG Guidelines, 2015. Collection method: clinical testing. Allele origin: germline.

Labcorp Genetics (formerly Invitae), Labcorp
Classification: Uncertain significance for Insulin-dependent diabetes mellitus secretory diarrhea syndrome. Last evaluated: 2024-03-01. Review status: criteria provided, single submitter. Criteria: Invitae Variant Classification Sherloc (09022015). Collection method: clinical testing. Allele origin: germline.
Comment: This sequence change replaces arginine, which is basic and polar, with glutamine, which is neutral and polar, at codon 114 of the FOXP3 protein (p.Arg114Gln). This variant is present in population databases (rs782303740, gnomAD 0.006%). This variant has not been reported in the literature in individuals affected with FOXP3-related conditions. ClinVar contains an entry for this variant (Variation ID: 1901898). Advanced modeling of protein sequence and biophysical properties (such as structural, functional, and spatial information, amino acid conservation, physicochemical variation, residue mobility, and thermodynamic stability) performed at Invitae indicates that this missense variant is not expected to disrupt FOXP3 protein function with a negative predictive value of 80%. In summary, the available evidence is currently insufficient to determine the role of this variant in disease. Therefore, it has been classified as a Variant of Uncertain Significance.

NM_014009.4(FOXP3):c.341G>A (p.Arg114Gln)

Gene: FOXP3 (forkhead box P3; minus strand). Cytogenetic location: Xp11.23.
Variant type: single nucleotide variant.
Coding change: c.341G>A on transcript NM_014009.4 (MANE Select); coding-DNA position 341, G replaced by A.
Protein change: p.Arg114Gln; replaces arginine 114 with glutamine.
Molecular consequence: missense variant.
Genome position (GRCh38, 1-based): chrX:49,257,540, C>T on the plus strand (G>A on the coding strand, the complement: FOXP3 is on the minus strand). VCF-style: chrX-49257540-C-T. GRCh37 (hg19) VCF-style: chrX-49113997-C-T.
Other names: c.236G>A, p.Arg79Gln (NM_001114377.2); short protein forms R114Q, R79Q.
Identifiers: ClinVar variation 1901898 (VCV001901898.6), dbSNP rs782303740, ClinGen allele CA10411818.